The following is an entry in ClinVar:

NM_000548.5(TSC2):c.138+4A>G

Gene: TSC2 (TSC complex subunit 2; plus strand). Cytogenetic location: 16p13.3.
Variant type: single nucleotide variant.
Coding change: c.138+4A>G on transcript NM_000548.5 (MANE Select); 4 bases into the intron after coding-DNA position 138, A replaced by G.
Molecular consequence: intron variant.
Genome position (GRCh38, 1-based): chr16:2,048,757, A>G. VCF-style: chr16-2048757-A-G. GRCh37 (hg19) VCF-style: chr16-2098758-A-G.
Other names: c.138+4A>G (NM_001114382.3, NM_021055.3, NM_001370405.1 and 5 more transcripts); c.-89+4A>G (NM_001318831.2); c.-10+692A>G (NM_001318829.2); c.171+4A>G (NM_001318832.2).
Identifiers: ClinVar variation 1052020 (VCV001052020.9), dbSNP rs779611259, ClinGen allele CA029855.

ClinVar aggregate classification (germline): Uncertain significance. Review status: criteria provided, multiple submitters, no conflicts (2 of 4 stars). 3 submissions from 3 submitters: Uncertain significance (3). Last evaluated 2025-07-01.

Conditions:
Tuberous sclerosis 2 (TSC2). Identifiers: Orphanet 805, MedGen C1860707, MONDO:0013199, OMIM 613254.
Hereditary cancer-predisposing syndrome. Also called: Hereditary Cancer Syndrome; Tumor predisposition; Hereditary neoplastic syndrome; Neoplastic Syndromes, Hereditary. Identifiers: Orphanet 140162, MedGen C0027672, MeSH D009386, MONDO:0015356.

Allele frequency attached by ClinVar (database versions not stated): gnomAD exomes below 0.00001; ExAC 0.00001; gnomAD 0.00001; TOPMed 0.00001.
gnomAD v4.1: 2 of 1,613,900 alleles (0.00012%); highest among the groups gnomAD compares: East Asian, 0.0022%; no homozygotes.

Submissions (3):

Labcorp Genetics (formerly Invitae), Labcorp
Classification: Uncertain significance for Tuberous sclerosis 2. Last evaluated: 2025-07-01. Review status: criteria provided, single submitter. Criteria: Invitae Variant Classification Sherloc (09022015). Collection method: clinical testing. Allele origin: germline.
Comment: This sequence change falls in intron 2 of the TSC2 gene. It does not directly change the encoded amino acid sequence of the TSC2 protein. It affects a nucleotide within the consensus splice site. This variant is present in population databases (rs779611259, gnomAD 0.006%). This variant has not been reported in the literature in individuals affected with TSC2-related conditions. ClinVar contains an entry for this variant (Variation ID: 1052020). Variants that disrupt the consensus splice site are a relatively common cause of aberrant splicing (PMID: 17576681, 9536098). Algorithms developed to predict the effect of sequence changes on RNA splicing suggest that this variant may disrupt the consensus splice site. In summary, the available evidence is currently insufficient to determine the role of this variant in disease. Therefore, it has been classified as a Variant of Uncertain Significance.

Ambry Genetics
Classification: Uncertain significance for Hereditary cancer-predisposing syndrome. Last evaluated: 2025-04-19. Review status: criteria provided, single submitter. Criteria: Ambry Variant Classification Scheme 2023. Collection method: clinical testing. Allele origin: germline.
Comment: The c.138+4A>G intronic variant results from an A to G substitution 4 nucleotides after coding exon 1 in the TSC2 gene. This nucleotide position is well conserved in available vertebrate species. In silico splice site analysis predicts that this alteration will weaken the native splice donor site and will result in the creation or strengthening of a novel splice donor site. Based on the available evidence, the clinical significance of this variant remains unclear.

GeneDx
Classification: Uncertain significance. Last evaluated: 2024-02-25. Review status: criteria provided, single submitter. Criteria: GeneDx Variant Classification Process June 2021. Collection method: clinical testing. Allele origin: germline. Affected: yes.
Comment: In silico analysis supports a deleterious effect on splicing; Has not been previously published as pathogenic or benign to our knowledge

Literature cited by the submitters: PubMed 17576681 (cited by Labcorp Genetics (formerly Invitae), Labcorp); PubMed 9536098 (cited by Labcorp Genetics (formerly Invitae), Labcorp).